The following is an entry in ClinVar:

NM_001267550.2(TTN):c.36592A>G (p.Lys12198Glu)

Gene: TTN (titin; minus strand). Cytogenetic location: 2q31.2.
Variant type: single nucleotide variant.
Coding change: c.36592A>G on transcript NM_001267550.2 (MANE Select); coding-DNA position 36592, A replaced by G.
Protein change: p.Lys12198Glu; replaces lysine 12198 with glutamic acid.
Molecular consequence: missense variant. On other transcripts: intron variant (5).
Genome position (GRCh38, 1-based): chr2:178,663,457, T>C on the plus strand (A>G on the coding strand, the complement: TTN is on the minus strand). VCF-style: chr2-178663457-T-C. GRCh37 (hg19) VCF-style: chr2-179528184-T-C.
Other names: c.13283-21140A>G (NM_003319.4); c.13859-21140A>G (NM_133437.4); c.13658-21140A>G (NM_133432.3); c.31484-402A>G (NM_133378.4); c.34265-402A>G (NM_001256850.1); short protein forms K12198E.
Identifiers: ClinVar variation 4983939 (VCV004983939.1).

ClinVar aggregate classification (germline): Uncertain significance (1 of 4 stars; one submission).

Conditions:
TTN-related disorder. Also called: TTN-related disorders; TTN-related condition; TTN-related disease.

gnomAD v4.1: 2 of 1,611,548 alleles (0.00012%); highest among the groups gnomAD compares: African/African-American, 0.0013%; no homozygotes.

Submission:

PreventionGenetics, part of Exact Sciences
Classification: Uncertain significance for TTN-related condition. Last evaluated: 2026-08-13. Review status: criteria provided, single submitter. Criteria: ACMG Guidelines, 2015. Collection method: clinical testing. Allele origin: germline.
Comment: The TTN c.36592A>G variant is predicted to result in the amino acid substitution p.Lys12198Glu. To our knowledge, this variant has not been reported in the literature. This variant is reported in 0.0042% of alleles in individuals of African descent in gnomAD. At this time, the clinical significance of this variant is uncertain due to the absence of conclusive functional and genetic evidence.